The following is an entry in ClinVar:

ClinVar aggregate classification (germline): Uncertain significance (1 of 4 stars; one submission).

Conditions:
Regional enteritis. Also called: Enteritis, Granulomatous. Identifiers: MedGen C0678202, MeSH D003424.
Blau syndrome (BLAUS). Also called: ARTHROCUTANEOUVEAL GRANULOMATOSIS; GRANULOMATOSIS, FAMILIAL JUVENILE SYSTEMIC; GRANULOMATOSIS, FAMILIAL, BLAU TYPE; GRANULOMATOUS INFLAMMATORY ARTHRITIS, DERMATITIS, AND UVEITIS, FAMILIAL; JABS SYNDROME. Identifiers: Orphanet 90340, MedGen C5201146, MONDO:0008523, OMIM 186580.

Allele frequency attached by ClinVar (database versions not stated): gnomAD 0.00001.

Submission:

Labcorp Genetics (formerly Invitae), Labcorp
Classification: Uncertain significance for Regional enteritis; Blau syndrome. Last evaluated: 2024-03-04. Review status: criteria provided, single submitter. Criteria: Invitae Variant Classification Sherloc (09022015). Collection method: clinical testing. Allele origin: germline.
Comment: This sequence change creates a premature translational stop signal (p.Gly21*) in the NOD2 gene. It is expected to result in an absent or disrupted protein product. However, the current clinical and genetic evidence is not sufficient to establish whether loss-of-function variants in NOD2 cause disease. This variant is present in population databases (no rsID available, gnomAD 0.006%). This variant has not been reported in the literature in individuals affected with NOD2-related conditions. In summary, the available evidence is currently insufficient to determine the role of this variant in disease. Therefore, it has been classified as a Variant of Uncertain Significance.

NM_001370466.1(NOD2):c.-8-2184G>T

Gene: NOD2 (nucleotide binding oligomerization domain containing 2; plus strand). Cytogenetic location: 16q12.1.
Variant type: single nucleotide variant.
Coding change: c.-8-2184G>T on transcript NM_001370466.1 (MANE Select); 2184 bases into the intron before 8 bases upstream of the start codon, G replaced by T.
Molecular consequence: intron variant. On other transcripts: nonsense (1).
Genome position (GRCh38, 1-based): chr16:50,697,304, G>T. VCF-style: chr16-50697304-G-T. GRCh37 (hg19) VCF-style: chr16-50731215-G-T.
Other names: c.61G>T, p.Gly21Ter (NM_022162.3); short protein forms G21*.
Identifiers: ClinVar variation 2948463 (VCV002948463.3), dbSNP rs771671839, ClinGen allele CA281248107.
Genomic context (GRCh38, chr16:50,697,304, plus strand): 5'-ATGGGGGAAGAGGGTGGTTCAGCCTCTCACGATGAGGAGGAAAGAGCAAGTGTCCTCCTC[G>T]GACATTCTCCGGGTAAGAGGAGCAGGCATTGTCCCGTCCCAGCTTGATCCTCAGCCTTCT-3'